The following is an entry in ClinVar:

ClinVar aggregate classification (germline): Uncertain significance (1 of 4 stars; one submission).

Submission:

Labcorp Genetics (formerly Invitae), Labcorp
Classification: Uncertain significance. Last evaluated: 2025-03-26. Review status: criteria provided, single submitter. Criteria: Invitae Variant Classification Sherloc (09022015). Collection method: clinical testing. Allele origin: germline.
Comment: This variant, c.2328_2330del, results in the deletion of 1 amino acid(s) of the KIF20A protein (p.Thr777del), but otherwise preserves the integrity of the reading frame. This variant is present in population databases (rs756673690, gnomAD 0.009%). This variant has not been reported in the literature in individuals affected with KIF20A-related conditions. Experimental studies and prediction algorithms are not available or were not evaluated, and the functional significance of this variant is currently unknown. In summary, the available evidence is currently insufficient to determine the role of this variant in disease. Therefore, it has been classified as a Variant of Uncertain Significance.

NM_005733.3(KIF20A):c.2328_2330del (p.Thr777del)

Gene: KIF20A (kinesin family member 20A; plus strand). Cytogenetic location: 5q31.2.
Variant type: Deletion.
Coding change: c.2328_2330del on transcript NM_005733.3 (MANE Select); coding-DNA positions 2328 to 2330, 3 bases deleted (CAC; older notation c.2328_2330delCAC).
Protein change: p.Thr777del; deletes threonine 777.
Genome position (GRCh38, 1-based): chr5:138,186,404-138,186,406, CAC deleted; deleting any 3 consecutive bases within chr5:138,186,402-138,186,406 gives the same sequence; the c. name uses the placement nearest the transcript's 3' end. VCF-style (leftmost placement, unchanged base first): chr5-138186401-GACC-G. GRCh37 (hg19) VCF-style: chr5-137522090-GACC-G.
Other names: short protein forms T777del.
Identifiers: ClinVar variation 3685057 (VCV003685057.2).